The following is an entry in ClinVar:

ClinVar aggregate classification (germline): Uncertain significance (1 of 4 stars; one submission).

Conditions:
Combined oxidative phosphorylation deficiency. Identifiers: MedGen C4540031, MONDO:0000732.
Charcot-Marie-Tooth Neuropathy X. Identifiers: MedGen CN118851.

Allele frequency attached by ClinVar (database versions not stated): gnomAD exomes below 0.00001.
gnomAD v4.1: 1 of 1,211,143 alleles (0.000083%); highest among the groups gnomAD compares: South Asian, 0.0018%; no homozygotes.

Submission:

Labcorp Genetics (formerly Invitae), Labcorp
Classification: Uncertain significance for Charcot-Marie-Tooth Neuropathy X; Combined oxidative phosphorylation deficiency. Last evaluated: 2022-08-07. Review status: criteria provided, single submitter. Criteria: Invitae Variant Classification Sherloc (09022015). Collection method: clinical testing. Allele origin: germline.
Comment: This sequence change falls in intron 3 of the AIFM1 gene. It does not directly change the encoded amino acid sequence of the AIFM1 protein. It affects a nucleotide within the consensus splice site. This variant is not present in population databases (gnomAD no frequency). This variant has not been reported in the literature in individuals affected with AIFM1-related conditions. Variants that disrupt the consensus splice site are a relatively common cause of aberrant splicing (PMID: 17576681, 9536098). Algorithms developed to predict the effect of sequence changes on RNA splicing suggest that this variant is not likely to affect RNA splicing. In summary, the available evidence is currently insufficient to determine the role of this variant in disease. Therefore, it has been classified as a Variant of Uncertain Significance.

Literature cited by the submitters: PubMed 17576681; PubMed 9536098.

NM_004208.4(AIFM1):c.350-3C>T

Genes: AIFM1 (apoptosis inducing factor mitochondria associated 1; minus strand), RAB33A (RAB33A, member RAS oncogene family; plus strand). Cytogenetic location: Xq26.1.
Variant type: single nucleotide variant.
Coding change: c.350-3C>T on transcript NM_004208.4 (MANE Select); 3 bases into the intron before coding-DNA position 350, C replaced by T.
Molecular consequence: intron variant.
Genome position (GRCh38, 1-based): chrX:130,147,879, G>A on the plus strand (C>T on the coding strand, the complement: AIFM1 is on the minus strand). VCF-style: chrX-130147879-G-A. GRCh37 (hg19) VCF-style: chrX-129281854-G-A.
Other names: c.338-3C>T (NM_145812.3); c.350-3C>T (NM_001130847.4).
Identifiers: ClinVar variation 2022381 (VCV002022381.4), dbSNP rs2523146821, ClinGen allele CA2580101509.